The following is an entry in ClinVar:

ClinVar aggregate classification (germline): Likely benign (1 of 4 stars; one submission).

Conditions:
Quebec platelet disorder (QPD). Also called: FACTOR V QUEBEC; BLEEDING DISORDER, PLATELET-TYPE, 5. Identifiers: Orphanet 220436, MedGen C1866423, MONDO:0011136, OMIM 601709.

Allele frequency attached by ClinVar (database versions not stated): ExAC 0.00002; gnomAD 0.00001; gnomAD exomes 0.00001; TOPMed 0.00002.
gnomAD v4.1: 12 of 1,613,574 alleles (0.00074%); highest among the groups gnomAD compares: African/African-American, 0.0013%; no homozygotes.

Submission:

Illumina Laboratory Services, Illumina
Classification: Likely benign for Quebec platelet disorder. Last evaluated: 2018-01-12. Review status: criteria provided, single submitter. Criteria: ICSL Variant Classification Criteria 13 December 2019. Collection method: clinical testing. Allele origin: germline.
Comment: This variant was observed in the ICSL laboratory as part of a predisposition screen in an ostensibly healthy population. It had not been previously curated by ICSL or reported in the Human Gene Mutation Database (HGMD: prior to June 1st, 2018), and was therefore a candidate for classification through an automated scoring system. Utilizing variant allele frequency, disease prevalence and penetrance estimates, and inheritance mode, an automated score was calculated to assess if this variant is too frequent to cause the disease. Based on the score and internal cut-off values, a variant classified as likely benign is not then subjected to further curation. The score for this variant resulted in a classification of likely benign for this disease.

NM_002658.6(PLAU):c.57+6T>C

Genes: C10orf55 (chromosome 10 putative open reading frame 55; minus strand), PLAU (plasminogen activator, urokinase; plus strand), LOC130004104 (ATAC-STARR-seq lymphoblastoid silent region 2495; plus strand). Cytogenetic location: 10q22.2.
Variant type: single nucleotide variant.
Coding change: c.57+6T>C on transcript NM_002658.6 (MANE Select); 6 bases into the intron after coding-DNA position 57, T replaced by C.
Molecular consequence: intron variant. On other transcripts: non-coding transcript variant (2), 5 prime UTR variant (1).
Genome position (GRCh38, 1-based): chr10:73,911,618, T>C. VCF-style: chr10-73911618-T-C. GRCh37 (hg19) VCF-style: chr10-75671376-T-C.
Other names: c.-274T>C (NM_001145031.3); c.-174+6T>C (NM_001319191.2).
Identifiers: ClinVar variation 300741 (VCV000300741.5), dbSNP rs770181188, ClinGen allele CA5562237.
Genomic context (GRCh38, chr10:73,911,618, plus strand): 5'-GAGAGCCCTGCTGGCGCGCCTGCTTCTCTGCGTCCTGGTCGTGAGCGACTCCAAAGTGAG[T>C]GCGCTCTTGCTTTGACTGATGCTGCCCAAGGACCTCTGATCAGCACCAGGGGAGAGGAGG-3'